The following is an entry in ClinVar:

ClinVar aggregate classification (germline): Benign/Likely benign. Review status: criteria provided, multiple submitters, no conflicts (2 of 4 stars). 3 submissions from 3 submitters: Benign (1); Likely benign (2). Last evaluated 2025-06-30.

Conditions:
Hereditary cancer-predisposing syndrome. Also called: Neoplastic Syndromes, Hereditary; Hereditary Cancer Syndrome; Tumor predisposition; Hereditary neoplastic syndrome. Identifiers: Orphanet 140162, MedGen C0027672, MeSH D009386, MONDO:0015356.
Familial cancer of breast. Also called: BREAST CANCER, FAMILIAL; hereditary breast carcinoma; Hereditary breast cancer. Identifiers: Orphanet 227535, MedGen C0346153, MONDO:0016419, OMIM 114480. Disease mechanism: loss of function.

gnomAD v4.1: 1 of 1,612,194 alleles (0.000062%); highest among the groups gnomAD compares: Non-Finnish European, 0.000085%; no homozygotes.

Submissions (3):

Ambry Genetics
Classification: Likely benign for Hereditary cancer-predisposing syndrome. Last evaluated: 2025-06-30. Review status: criteria provided, single submitter. Criteria: Ambry Variant Classification Scheme 2023. Collection method: clinical testing. Allele origin: germline.

Myriad Genetics, Inc.
Classification: Benign for Familial cancer of breast. Last evaluated: 2025-01-16. Review status: criteria provided, single submitter. Criteria: Myriad Autosomal Dominant, Autosomal Recessive and X-Linked Classification Criteria (2023). Collection method: clinical testing. Allele origin: unknown.
Comment: This variant is considered benign. This variant is a silent/synonymous amino acid change and it is not expected to impact splicing.

Labcorp Genetics (formerly Invitae), Labcorp
Classification: Likely benign for Familial cancer of breast. Last evaluated: 2024-07-10. Review status: criteria provided, single submitter. Criteria: Invitae Variant Classification Sherloc (09022015). Collection method: clinical testing. Allele origin: germline.

NM_024675.4(PALB2):c.2580G>A (p.Glu860=)

Gene: PALB2 (partner and localizer of BRCA2; minus strand). Cytogenetic location: 16p12.2.
Variant type: single nucleotide variant.
Coding change: c.2580G>A on transcript NM_024675.4 (MANE Select); coding-DNA position 2580, G replaced by A.
Protein change: p.Glu860=; no amino-acid change (glutamic acid 860 retained).
Molecular consequence: synonymous variant. On other transcripts: intron variant (1).
Genome position (GRCh38, 1-based): chr16:23,629,210, C>T on the plus strand (G>A on the coding strand, the complement: PALB2 is on the minus strand). VCF-style: chr16-23629210-C-T. GRCh37 (hg19) VCF-style: chr16-23640531-C-T.
Other names: c.2520G>A, p.Glu840= (NM_001407296.1); c.2580G>A, p.Glu860= (NM_001407298.1, NM_001407299.1, NM_001407300.1 and 2 more transcripts); c.1695G>A, p.Glu565= (NM_001407304.1, NM_001407305.1, NM_001407306.1 and 5 more transcripts); c.792G>A, p.Glu264= (NM_001407312.1, NM_001407313.1); c.114G>A, p.Glu38= (NM_001407314.1); c.2514+430G>A (NM_001407297.1).
Identifiers: ClinVar variation 2853525 (VCV002853525.5), dbSNP rs1348398121, ClinGen allele CA494163285.
Genomic context (GRCh38, chr16:23,629,210, plus strand): 5'-ATTAAAGTTTTCATATGTAAGACACGAGACACTGGAAGAGAATATTCTTCTGACCTTTAA[C>T]TCTGAAACCAATTGTAGGTTGCCTGGGTTTATGCTATCAGAAGCAGGAAGCTCTGCTGTT-3'
Protein context (NP_078951.2, residues 850-870): INPGNLQLVS[Glu860=]LKNPSGSCSV